The following is an entry in ClinVar:

ClinVar aggregate classification (germline): Uncertain significance. Review status: criteria provided, multiple submitters, no conflicts (2 of 4 stars). 2 submissions from 2 submitters: Uncertain significance (2). Last evaluated 2026-04-29.

Conditions:
Retinitis pigmentosa 25 (RP25). Identifiers: Orphanet 791, MedGen C1864446, MONDO:0011272, OMIM 602772.

Allele frequency attached by ClinVar (database versions not stated): ExAC 0.00001; gnomAD exomes 0.00001.
gnomAD v4.1: 3 of 1,613,136 alleles (0.00019%); highest among the groups gnomAD compares: Admixed American, 0.005%; no homozygotes.

Submissions (2):

Myriad Genetics, Inc.
Classification: Uncertain significance for Retinitis pigmentosa 25. Last evaluated: 2026-04-29. Review status: criteria provided, single submitter. Criteria: Myriad Autosomal Dominant, Autosomal Recessive and X-Linked Classification Criteria (2023). Collection method: clinical testing. Allele origin: unknown.
Comment: NM_001142800.1(EYS):c.1325A>T(K442I) is a missense variant classified as a variant of uncertain significance in the context of retinitis pigmentosa, EYS-related. K442I has not been observed in cases with relevant disease. Relevant functional assessments of this variant are not available in the literature. K442I has been observed in referenced population frequency databases. In summary, there is insufficient evidence to classify NM_001142800.1(EYS):c.1325A>T(K442I) as pathogenic or benign. Please note: this variant was assessed in the context of healthy population screening.

Labcorp Genetics (formerly Invitae), Labcorp
Classification: Uncertain significance. Last evaluated: 2021-09-03. Review status: criteria provided, single submitter. Criteria: Invitae Variant Classification Sherloc (09022015). Collection method: clinical testing. Allele origin: germline.
Comment: This sequence change replaces lysine with isoleucine at codon 442 of the EYS protein (p.Lys442Ile). The lysine residue is weakly conserved and there is a moderate physicochemical difference between lysine and isoleucine. This variant is present in population databases (rs758215773, ExAC 0.009%). This variant has not been reported in the literature in individuals affected with EYS-related conditions. Algorithms developed to predict the effect of missense changes on protein structure and function output the following: SIFT: "Tolerated"; PolyPhen-2: "Benign"; Align-GVGD: "Class C0". The isoleucine amino acid residue is found in multiple mammalian species, which suggests that this missense change does not adversely affect protein function. In summary, the available evidence is currently insufficient to determine the role of this variant in disease. Therefore, it has been classified as a Variant of Uncertain Significance.

NM_001142800.2(EYS):c.1325A>T (p.Lys442Ile)

Gene: EYS (EGF-like photoreceptor maintenance factor; minus strand). Cytogenetic location: 6q12.
Variant type: single nucleotide variant.
Coding change: c.1325A>T on transcript NM_001142800.2 (MANE Select); coding-DNA position 1325, A replaced by T.
Protein change: p.Lys442Ile; replaces lysine 442 with isoleucine.
Molecular consequence: missense variant.
Genome position (GRCh38, 1-based): chr6:65,353,592, T>A on the plus strand (A>T on the coding strand, the complement: EYS is on the minus strand). VCF-style: chr6-65353592-T-A. GRCh37 (hg19) VCF-style: chr6-66063485-T-A.
Other names: c.1325A>T, p.Lys442Ile (NM_001142801.2, NM_001292009.2, NM_198283.2); short protein forms K442I.
Identifiers: ClinVar variation 1979873 (VCV001979873.2), dbSNP rs758215773, ClinGen allele CA3877778.